The following is an entry in ClinVar:

ClinVar aggregate classification (germline): Uncertain significance (1 of 4 stars; one submission).

Submission:

Labcorp Genetics (formerly Invitae), Labcorp
Classification: Uncertain significance. Last evaluated: 2023-10-13. Review status: criteria provided, single submitter. Criteria: Invitae Variant Classification Sherloc (09022015). Collection method: clinical testing. Allele origin: germline.
Comment: This sequence change results in a frameshift in the CEP250 gene (p.*2443Serext*91). While this is not anticipated to result in nonsense mediated decay, it is expected to disrupt the stop codon of the CEP250 protein and extend the protein by 91 additional amino acid residues. This variant is not present in population databases (gnomAD no frequency). This variant has not been reported in the literature in individuals affected with CEP250-related conditions. ClinVar contains an entry for this variant (Variation ID: 1420918). Experimental studies and prediction algorithms are not available or were not evaluated, and the functional significance of this variant is currently unknown. In summary, the available evidence is currently insufficient to determine the role of this variant in disease. Therefore, it has been classified as a Variant of Uncertain Significance.

NM_007186.6(CEP250):c.7327del (p.Ter2443SerextTer?)

Gene: CEP250 (centrosomal protein 250; plus strand). Cytogenetic location: 20q11.22.
Variant type: Deletion.
Coding change: c.7327del on transcript NM_007186.6 (MANE Select); coding-DNA position 7327, one base deleted (T; older notation c.7327delT).
Protein change: p.Ter2443SerextTer?.
Molecular consequence: frameshift variant, stop lost.
Genome position (GRCh38, 1-based): chr20:35,511,624, T deleted. VCF-style (leftmost placement, unchanged base first): chr20-35511623-GT-G. GRCh37 (hg19) VCF-style: chr20-34099452-GT-G.
Other names: c.5431del, p.Ter1811SerextTer? (NM_001318219.1).
Identifiers: ClinVar variation 1420918 (VCV001420918.6), dbSNP rs2147242379, ClinGen allele CA2573157073.